The following is an entry in ClinVar:

ClinVar aggregate classification (germline): Uncertain significance (1 of 4 stars; one submission).

Allele frequency attached by ClinVar (database versions not stated): TOPMed below 0.00001; ExAC 0.00002; gnomAD 0.00001; gnomAD exomes below 0.00001.
gnomAD v4.1: 3 of 1,614,012 alleles (0.00019%); highest among the groups gnomAD compares: Admixed American, 0.0017%; no homozygotes.

Submission:

Labcorp Genetics (formerly Invitae), Labcorp
Classification: Uncertain significance. Last evaluated: 2025-10-21. Review status: criteria provided, single submitter. Criteria: Invitae Variant Classification Sherloc (09022015). Collection method: clinical testing. Allele origin: germline.
Comment: This sequence change replaces methionine, which is neutral and non-polar, with isoleucine, which is neutral and non-polar, at codon 439 of the CETP protein (p.Met439Ile). This variant is present in population databases (rs760836166, gnomAD 0.003%). This variant has not been reported in the literature in individuals affected with CETP-related conditions. ClinVar contains an entry for this variant (Variation ID: 3019020). Invitae Evidence Modeling of protein sequence and biophysical properties (such as structural, functional, and spatial information, amino acid conservation, physicochemical variation, residue mobility, and thermodynamic stability) indicates that this missense variant is not expected to disrupt CETP protein function with a negative predictive value of 80%. In summary, the available evidence is currently insufficient to determine the role of this variant in disease. Therefore, it has been classified as a Variant of Uncertain Significance.

NM_000078.3(CETP):c.1317G>A (p.Met439Ile)

Gene: CETP (cholesteryl ester transfer protein; plus strand). Cytogenetic location: 16q13.
Variant type: single nucleotide variant.
Coding change: c.1317G>A on transcript NM_000078.3 (MANE Select); coding-DNA position 1317, G replaced by A.
Protein change: p.Met439Ile; replaces methionine 439 with isoleucine.
Molecular consequence: missense variant.
Genome position (GRCh38, 1-based): chr16:56,982,233, G>A. VCF-style: chr16-56982233-G-A. GRCh37 (hg19) VCF-style: chr16-57016145-G-A.
Other names: c.1137G>A, p.Met379Ile (NM_001286085.2); short protein forms M439I, M379I.
Identifiers: ClinVar variation 3019020 (VCV003019020.3), dbSNP rs760836166, ClinGen allele CA8071338.
Genomic context (GRCh38, chr16:56,982,233, plus strand): 5'-CGAGTCCGTCCAGAGCTTCCTGCAGTCAATGATCACCGCTGTGGGCATCCCTGAGGTCAT[G>A]TCTCGTAAGTGTGGGCTGGAGGGGAAACTGGGTGCCGAGGCTGACAGAGCTTCCCATTTC-3'
Protein context (NP_000069.2, residues 429-449): MITAVGIPEV[Met439Ile]SRLEVVFTAL